The following is an entry in ClinVar:

ClinVar aggregate classification (germline): Uncertain significance. Review status: criteria provided, multiple submitters, no conflicts (2 of 4 stars). 2 submissions from 2 submitters: Uncertain significance (2). Last evaluated 2026-05-21.

Conditions:
Inborn genetic diseases. Identifiers: MedGen C0950123, MeSH D030342.

Submissions (2):

Ambry Genetics
Classification: Uncertain significance for Inborn genetic diseases. Last evaluated: 2026-05-21. Review status: criteria provided, single submitter. Criteria: Ambry Variant Classification Scheme 2023. Collection method: clinical testing. Allele origin: germline.
Comment: The p.E600V variant (also known as c.1799A>T), located in coding exon 1 of the SAMD9 gene, results from an A to T substitution at nucleotide position 1799. The glutamic acid at codon 600 is replaced by valine, an amino acid with dissimilar properties. This amino acid position is conserved. In addition, this alteration is predicted to be tolerated by in silico analysis. Based on the available evidence, the clinical significance of this variant remains unclear.

Labcorp Genetics (formerly Invitae), Labcorp
Classification: Uncertain significance. Last evaluated: 2023-02-17. Review status: criteria provided, single submitter. Criteria: Invitae Variant Classification Sherloc (09022015). Collection method: clinical testing. Allele origin: germline.
Comment: In summary, the available evidence is currently insufficient to determine the role of this variant in disease. Therefore, it has been classified as a Variant of Uncertain Significance. Advanced modeling of protein sequence and biophysical properties (such as structural, functional, and spatial information, amino acid conservation, physicochemical variation, residue mobility, and thermodynamic stability) performed at Invitae indicates that this missense variant is not expected to disrupt SAMD9 protein function. This variant has not been reported in the literature in individuals affected with SAMD9-related conditions. This variant is not present in population databases (gnomAD no frequency). This sequence change replaces glutamic acid, which is acidic and polar, with valine, which is neutral and non-polar, at codon 600 of the SAMD9 protein (p.Glu600Val).

NM_017654.4(SAMD9):c.1799A>T (p.Glu600Val)

Gene: SAMD9 (sterile alpha motif domain containing 9; minus strand). Cytogenetic location: 7q21.2.
Variant type: single nucleotide variant.
Coding change: c.1799A>T on transcript NM_017654.4 (MANE Select); coding-DNA position 1799, A replaced by T.
Protein change: p.Glu600Val; replaces glutamic acid 600 with valine.
Molecular consequence: missense variant.
Genome position (GRCh38, 1-based): chr7:93,104,299, T>A on the plus strand (A>T on the coding strand, the complement: SAMD9 is on the minus strand). VCF-style: chr7-93104299-T-A. GRCh37 (hg19) VCF-style: chr7-92733612-T-A.
Other names: c.1799A>T, p.Glu600Val (NM_001193307.2); c.1799A>T (NM_017654.3); short protein forms E600V.
Identifiers: ClinVar variation 2981185 (VCV002981185.4), dbSNP rs2535359822, ClinGen allele CA368194614.